The following is an entry in ClinVar:

NM_000070.3(CAPN3):c.581C>T (p.Ser194Phe)

Gene: CAPN3 (calpain 3; plus strand). Cytogenetic location: 15q15.1.
Variant type: single nucleotide variant.
Coding change: c.581C>T on transcript NM_000070.3 (MANE Select); coding-DNA position 581, C replaced by T.
Protein change: p.Ser194Phe; replaces serine 194 with phenylalanine.
Molecular consequence: missense variant.
Genome position (GRCh38, 1-based): chr15:42,387,835, C>T. VCF-style: chr15-42387835-C-T. GRCh37 (hg19) VCF-style: chr15-42680033-C-T.
Other names: c.581C>T, p.Ser194Phe (NM_024344.2, NM_173087.2); short protein forms S194F.
Identifiers: ClinVar variation 285582 (VCV000285582.6), dbSNP rs886043143, ClinGen allele CA10605165.

ClinVar aggregate classification (germline): Conflicting classifications of pathogenicity. Review status: criteria provided, conflicting classifications (1 of 4 stars). 2 submissions from 2 submitters: Likely pathogenic (1); Uncertain significance (1). Last evaluated 2024-10-10.

Conditions:
Autosomal recessive limb-girdle muscular dystrophy type 2A (LGMDR1). Also called: Calpainopathy; MUSCULAR DYSTROPHY, PELVOFEMORAL; Limb-girdle muscular dystrophy, type 2A; Muscular dystrophy, limb-girdle, type 2A, Amish; LEYDEN-MOEBIUS MUSCULAR DYSTROPHY. Identifiers: Orphanet 267, MedGen C1869123, MONDO:0009675, OMIM 253600. Disease mechanism: loss of function.

Submissions (2):

Medical Molecular Genetics Department, National Research Center
Classification: Likely pathogenic for Autosomal recessive limb-girdle muscular dystrophy type 2A. Last evaluated: 2024-10-10. Review status: criteria provided, single submitter. Criteria: ACMG Guidelines, 2015. Collection method: clinical testing. Allele origin: germline. Affected: yes.
Comment: according to this data it is considered as likely pathogenic by ACMG guidlines.

Eurofins Ntd Llc (ga)
Classification: Uncertain significance. Last evaluated: 2016-01-23. Review status: criteria provided, single submitter. Criteria: EGL Classification Definitions 2015. Collection method: clinical testing. Allele origin: germline. Observed: 1 variant allele, 1 heterozygote.